The following is an entry in ClinVar:

ClinVar aggregate classification (germline): Uncertain significance (1 of 4 stars; one submission).

Conditions:
Cardiovascular phenotype. Identifiers: MedGen CN230736.

Submission:

Ambry Genetics
Classification: Uncertain significance for Cardiovascular phenotype. Last evaluated: 2024-10-24. Review status: criteria provided, single submitter. Criteria: Ambry Variant Classification Scheme 2023. Collection method: clinical testing. Allele origin: germline.
Comment: The p.P83S variant (also known as c.247C>T), located in coding exon 3 of the APOA5 gene, results from a C to T substitution at nucleotide position 247. The proline at codon 83 is replaced by serine, an amino acid with similar properties. This amino acid position is conserved. In addition, this alteration is predicted to be tolerated by in silico analysis. Based on the available evidence, the clinical significance of this variant remains unclear.

NM_001371904.1(APOA5):c.247C>T (p.Pro83Ser)

Gene: APOA5 (apolipoprotein A5; minus strand). Cytogenetic location: 11q23.3.
Variant type: single nucleotide variant.
Coding change: c.247C>T on transcript NM_001371904.1 (MANE Select); coding-DNA position 247, C replaced by T.
Protein change: p.Pro83Ser; replaces proline 83 with serine.
Molecular consequence: missense variant.
Genome position (GRCh38, 1-based): chr11:116,790,982, G>A on the plus strand (C>T on the coding strand, the complement: APOA5 is on the minus strand). VCF-style: chr11-116790982-G-A. GRCh37 (hg19) VCF-style: chr11-116661698-G-A.
Other names: c.247C>T, p.Pro83Ser (NM_001166598.2, NM_052968.5); short protein forms P83S.
Identifiers: ClinVar variation 3414411 (VCV003414411.1).